The following is an entry in ClinVar:

NM_000070.3(CAPN3):c.2264-97C>T

Gene: CAPN3 (calpain 3; plus strand). Cytogenetic location: 15q15.1.
Variant type: single nucleotide variant.
Coding change: c.2264-97C>T on transcript NM_000070.3 (MANE Select); 97 bases into the intron before coding-DNA position 2264, C replaced by T.
Molecular consequence: intron variant.
Genome position (GRCh38, 1-based): chr15:42,410,787, C>T. VCF-style: chr15-42410787-C-T. GRCh37 (hg19) VCF-style: chr15-42702985-C-T.
Other names: c.2246-97C>T (NM_024344.2); c.1988-97C>T (NM_173087.2); c.728-97C>T (NM_173088.2); c.269-97C>T (NM_173090.2, NM_173089.2).
Identifiers: ClinVar variation 679632 (VCV000679632.1), dbSNP rs142261118, ClinGen allele CA269853876.

ClinVar aggregate classification (germline): Likely benign (1 of 4 stars; one submission).

Allele frequency attached by ClinVar (database versions not stated): gnomAD exomes 0.00029; 1000 Genomes Project 30x 0.00156; 1000 Genomes Project 0.00160; gnomAD 0.00305 and 0.00324; TOPMed 0.00359.
gnomAD v4.1: 833 of 1,376,258 alleles (0.061%); highest among the groups gnomAD compares: African/African-American, 1%; 6 homozygotes.

Submission:

GeneDx
Classification: Likely benign. Last evaluated: 2018-06-18. Review status: criteria provided, single submitter. Criteria: GeneDx Variant Classification (06012015). Collection method: clinical testing. Allele origin: germline. Affected: yes.
Comment: This variant is considered likely benign or benign based on one or more of the following criteria: it is a conservative change, it occurs at a poorly conserved position in the protein, it is predicted to be benign by multiple in silico algorithms, and/or has population frequency not consistent with disease.